The following is an entry in ClinVar:

NM_148919.4(PSMB8):c.148-10_148-6del

Gene: PSMB8 (proteasome 20S subunit beta 8; minus strand). Cytogenetic location: 6p21.32.
Variant type: Deletion.
Coding change: c.148-10_148-6del on transcript NM_148919.4 (MANE Select); 10 bases into the intron before coding-DNA position 148 through 6 bases into the intron before coding-DNA position 148, 5 bases deleted (CTCTT; older notation c.148-10_148-6delCTCTT).
Molecular consequence: intron variant.
Genome position (GRCh38, 1-based): chr6:32,843,095-32,843,099, AAGAG deleted on the plus strand (CTCTT on the coding strand, the reverse complement: PSMB8 is on the minus strand); deleting any 5 consecutive bases within chr6:32,843,095-32,843,101 gives the same sequence; the c. name uses the placement nearest the transcript's 3' end. VCF-style (leftmost placement, unchanged base first): chr6-32843094-TAAGAG-T. GRCh37 (hg19) VCF-style: chr6-32810871-TAAGAG-T.
Other names: c.136-10_136-6del (NM_004159.5).
Identifiers: ClinVar variation 863090 (VCV000863090.10), dbSNP rs1562352647, ClinGen allele CA916082808.

ClinVar aggregate classification (germline): Uncertain significance (1 of 4 stars; one submission).

Conditions:
Proteosome-associated autoinflammatory syndrome. Also called: Proteasome-associated autoinflammatory syndrome. Identifiers: Orphanet 324977, MedGen C1850568, MONDO:0009726.

Submission:

Labcorp Genetics (formerly Invitae), Labcorp
Classification: Uncertain significance for Proteosome-associated autoinflammatory syndrome. Last evaluated: 2019-12-13. Review status: criteria provided, single submitter. Criteria: Invitae Variant Classification Sherloc (09022015). Collection method: clinical testing. Allele origin: germline.
Comment: In summary, the available evidence is currently insufficient to determine the role of this variant in disease. Therefore, it has been classified as a Variant of Uncertain Significance. This sequence change falls in intron 1 of the PSMB8 gene. It does not directly change the encoded amino acid sequence of the PSMB8 protein. This variant is not present in population databases (ExAC no frequency). This variant has not been reported in the literature in individuals with PSMB8-related conditions. Algorithms developed to predict the effect of sequence changes on RNA splicing suggest that this variant may disrupt the consensus splice site, but this prediction has not been confirmed by published transcriptional studies.